The following is an entry in ClinVar:

ClinVar aggregate classification (germline): Uncertain significance (0 of 4 stars; one submission).

Conditions:
MIR17HG-related disorder. Also called: MIR17HG-related condition.

Submission:

PreventionGenetics, part of Exact Sciences
Classification: Uncertain significance for MIR17HG-related condition. Last evaluated: 2024-02-27. Review status: no assertion criteria provided. Collection method: clinical testing. Allele origin: germline.
Comment: The MIR17HG n.285-301A>G is a noncoding alteration. To our knowledge, this variant has not been reported in the literature or in a large population database, indicating this variant is rare. At this time, the clinical significance of this variant is uncertain due to the absence of conclusive functional and genetic evidence.

NR_197388.1(MIR17HG):n.3823A>G

Gene: MIR17HG (miR-17-92a-1 cluster host gene; plus strand). Cytogenetic location: 13q31.3.
Variant type: single nucleotide variant.
Molecular consequence: non-coding transcript variant (on NR_197388.1).
Genome position: GRCh38 VCF-style: chr13-91353632-A-G. GRCh37 (hg19) VCF-style: chr13-92005886-A-G.
Identifiers: ClinVar variation 3061214 (VCV003061214.2), dbSNP rs1339111235, ClinGen allele CA702287913.